The following is an entry in ClinVar:

ClinVar aggregate classification (germline): Likely pathogenic (1 of 4 stars; one submission).

Conditions:
Skraban-Deardorff syndrome. Also called: INTELLECTUAL DISABILITY WITH SEIZURES, ABNORMAL GAIT, AND DISTINCTIVE FACIAL FEATURES; WDR26-Related Intellectual Disability. Identifiers: Orphanet 513456, MedGen C4539927, MONDO:0054636, OMIM 617616.

gnomAD v4.1: 1 of 1,612,406 alleles (0.000062%); highest among the groups gnomAD compares: Non-Finnish European, 0.000085%; no homozygotes.

Submission:

Clinical Genetics Laboratory, University Hospital Schleswig-Holstein
Classification: Likely pathogenic for Skraban-Deardorff syndrome. Last evaluated: 2025-11-17. Review status: criteria provided, single submitter. Criteria: ACMG Guidelines, 2015. Collection method: clinical testing. Allele origin: de novo. Affected: yes. Observed: 1 heterozygote.
Comment: ACMG criteria applied: PM2, PP3, PP2, PS2_Moderate

NM_001379403.1(WDR26):c.1074G>A (p.Met358Ile)

Gene: WDR26 (WD repeat domain 26; minus strand). Cytogenetic location: 1q42.12.
Variant type: single nucleotide variant.
Coding change: c.1074G>A on transcript NM_001379403.1 (MANE Select); coding-DNA position 1074, G replaced by A.
Protein change: p.Met358Ile; replaces methionine 358 with isoleucine.
Molecular consequence: missense variant.
Genome position (GRCh38, 1-based): chr1:224,419,606, C>T on the plus strand (G>A on the coding strand, the complement: WDR26 is on the minus strand). VCF-style: chr1-224419606-C-T. GRCh37 (hg19) VCF-style: chr1-224607308-C-T.
Other names: c.726G>A, p.Met242Ile (NM_001115113.3); c.774G>A, p.Met258Ile (NM_025160.7); short protein forms M242I, M258I, M358I.
Identifiers: ClinVar variation 4891286 (VCV004891286.1).
Genomic context (GRCh38, chr1:224,419,606, plus strand): 5'-GGAAGCTGTCCCTTTGCCTTCCCATTCTGCTTTTGCACGTAGGTCTTCTGCATGGCTACA[C>T]ATCAGATACCTAAAAATACAACAGAGAAAGCAACCAATATTAAACCCATTTCTTTGTAAT-3'
Protein context (NP_001366332.1, residues 348-368): ERIHVLSGYL[Met358Ile]CSHAEDLRAK